The following is an entry in ClinVar:

ClinVar aggregate classification (germline): Benign/Likely benign. Review status: criteria provided, multiple submitters, no conflicts (2 of 4 stars). 5 submissions from 5 submitters: Benign (1); Likely benign (4). Last evaluated 2025-05-15.

Conditions:
Hereditary cancer-predisposing syndrome. Also called: Hereditary neoplastic syndrome; Hereditary Cancer Syndrome; Tumor predisposition; Neoplastic Syndromes, Hereditary. Identifiers: Orphanet 140162, MedGen C0027672, MeSH D009386, MONDO:0015356.
Tuberous sclerosis syndrome (TSC). Also called: Tuberous Sclerosis Complex; Tuberous sclerosis. Identifiers: Orphanet 805, MedGen C0041341, MONDO:0001734.
Tuberous sclerosis 2 (TSC2). Identifiers: Orphanet 805, MedGen C1860707, MONDO:0013199, OMIM 613254.

Allele frequency attached by ClinVar (database versions not stated): gnomAD exomes below 0.00001; TOPMed below 0.00001; gnomAD 0.00001.
gnomAD v4.1: 3 of 1,613,006 alleles (0.00019%); highest among the groups gnomAD compares: Non-Finnish European, 0.00025%; no homozygotes.

Submissions (5):

Myriad Genetics, Inc.
Classification: Benign for Tuberous sclerosis 2. Last evaluated: 2025-05-15. Review status: criteria provided, single submitter. Criteria: Myriad Autosomal Dominant, Autosomal Recessive and X-Linked Classification Criteria (2023). Collection method: clinical testing. Allele origin: unknown.
Comment: This variant is considered benign. This variant is a silent/synonymous amino acid change and it is not expected to impact splicing.

Labcorp Genetics (formerly Invitae), Labcorp
Classification: Likely benign for Tuberous sclerosis 2. Last evaluated: 2025-02-09. Review status: criteria provided, single submitter. Criteria: Invitae Variant Classification Sherloc (09022015). Collection method: clinical testing. Allele origin: germline.

All of Us Research Program, National Institutes of Health
Classification: Likely benign for Tuberous sclerosis syndrome. Last evaluated: 2023-08-15. Review status: criteria provided, single submitter. Criteria: ACMG Guidelines, 2015. Collection method: clinical testing. Allele origin: germline. Inheritance: Autosomal dominant inheritance. Observed: 1 variant allele, 1 heterozygote.
Comment: This study involves interpretation of variants in research participants for the purpose of population health screening. Participant phenotype was not available at the time of variant classification. Additional details can be found in publication PMID: 35346344, PMCID: PMC8962531

Ambry Genetics
Classification: Likely benign for Hereditary cancer-predisposing syndrome. Last evaluated: 2022-08-22. Review status: criteria provided, single submitter. Criteria: Ambry Variant Classification Scheme 2023. Collection method: clinical testing. Allele origin: germline.

Blueprint Genetics
Classification: Likely benign. Last evaluated: 2021-05-28. Review status: criteria provided, single submitter. Criteria: ACMG Guidelines, 2015. Collection method: clinical testing. Allele origin: germline.

NM_000548.5(TSC2):c.1833G>A (p.Arg611=)

Gene: TSC2 (TSC complex subunit 2; plus strand). Cytogenetic location: 16p13.3.
Variant type: single nucleotide variant.
Coding change: c.1833G>A on transcript NM_000548.5 (MANE Select); coding-DNA position 1833, G replaced by A.
Protein change: p.Arg611=; no amino-acid change (arginine 611 retained).
Molecular consequence: synonymous variant.
Genome position (GRCh38, 1-based): chr16:2,070,572, G>A. VCF-style: chr16-2070572-G-A. GRCh37 (hg19) VCF-style: chr16-2120573-G-A.
Other names: c.1833G>A, p.Arg611= (NM_001077183.3, NM_001114382.3, NM_001363528.2 and 3 more transcripts); c.1722G>A, p.Arg574= (NM_001318827.2); c.1686G>A, p.Arg562= (NM_001318829.2); c.1233G>A, p.Arg411= (NM_001318831.2); c.1866G>A, p.Arg622= (NM_001318832.2).
Identifiers: ClinVar variation 1153181 (VCV001153181.14), dbSNP rs1270155533, ClinGen allele CA492949968.